The following is an entry in ClinVar:

ClinVar aggregate classification (germline): Uncertain significance (1 of 4 stars; one submission).

Conditions:
Inborn genetic diseases. Identifiers: MedGen C0950123, MeSH D030342.

gnomAD v4.1: 2 of 1,611,566 alleles (0.00012%); highest among the groups gnomAD compares: Admixed American, 0.0017%; no homozygotes.

Submission:

Ambry Genetics
Classification: Uncertain significance for Inborn genetic diseases. Last evaluated: 2026-07-22. Review status: criteria provided, single submitter. Criteria: Ambry Variant Classification Scheme 2023. Collection method: clinical testing. Allele origin: germline.
Comment: The p.Y150H variant (also known as c.448T>C), located in coding exon 3 of the MECOM gene, results from a T to C substitution at nucleotide position 448. The tyrosine at codon 150 is replaced by histidine, an amino acid with similar properties. This amino acid position is conserved. In addition, this alteration is predicted to be tolerated by in silico analysis. Based on the available evidence, the clinical significance of this variant remains unclear.

NM_004991.4(MECOM):c.448T>C (p.Tyr150His)

Gene: MECOM (MDS1 and EVI1 complex locus; minus strand). Cytogenetic location: 3q26.2.
Variant type: single nucleotide variant.
Coding change: c.448T>C on transcript NM_004991.4 (MANE Select); coding-DNA position 448, T replaced by C.
Protein change: p.Tyr150His; replaces tyrosine 150 with histidine.
Molecular consequence: missense variant. On other transcripts: 5 prime UTR variant (12).
Genome position (GRCh38, 1-based): chr3:169,143,760, A>G on the plus strand (T>C on the coding strand, the complement: MECOM is on the minus strand). VCF-style: chr3-169143760-A-G. GRCh37 (hg19) VCF-style: chr3-168861548-A-G.
Other names: c.76T>C, p.Tyr26His (NM_001105077.4); c.-117T>C (NM_001105078.4, NM_001163999.2, NM_001164000.2 and 9 more transcripts); c.448T>C, p.Tyr150His (NM_001366466.2, NM_001366473.2); short protein forms Y150H, Y26H.
Identifiers: ClinVar variation 5024147 (VCV005024147.1).
Genomic context (GRCh38, chr3:169,143,760, plus strand): 5'-GATCATTTATCTGGCATGCAACAAGGTTGTGCTGATCATAACAGCCAGCGAATCTAATGT[A>G]CTTGAGCCAGCTTCCAACATCTGGTTGACTGGCATCTATGCAGAACTTCACATTGTAAAA-3'
Protein context (NP_004982.2, residues 140-160): SQPDVGSWLK[Tyr150His]IRFAGCYDQH